The following is an entry in ClinVar:

ClinVar aggregate classification (germline): Likely benign. Review status: criteria provided, multiple submitters, no conflicts (2 of 4 stars). 3 submissions from 3 submitters: Likely benign (3). Last evaluated 2025-03-17.

Allele frequency attached by ClinVar (database versions not stated): gnomAD exomes 0.00012 and 0.00025; ESP Exome Variant Server 0.00015; ExAC 0.00021; 1000 Genomes Project 30x 0.00031; TOPMed 0.00032; gnomAD 0.00034 and 0.00037; 1000 Genomes Project 0.00040.
gnomAD v4.1: 244 of 1,613,988 alleles (0.015%); highest among the groups gnomAD compares: African/African-American, 0.064%; 1 homozygote.

Submissions (3):

Labcorp Genetics (formerly Invitae), Labcorp
Classification: Likely benign. Last evaluated: 2025-03-17. Review status: criteria provided, single submitter. Criteria: Invitae Variant Classification Sherloc (09022015). Collection method: clinical testing. Allele origin: germline.

Genetic Services Laboratory, University of Chicago
Classification: Likely benign. Last evaluated: 2021-07-26. Review status: criteria provided, single submitter. Criteria: ACMG Guidelines, 2015. Collection method: clinical testing. Allele origin: germline. Affected: no.

GeneDx
Classification: Likely benign. Last evaluated: 2019-03-14. Review status: criteria provided, single submitter. Criteria: GeneDx Variant Classification Process June 2021. Collection method: clinical testing. Allele origin: germline. Affected: yes.
Comment: See Variant Classification Assertion Criteria.

NM_005886.3(KATNB1):c.1230C>T (p.Asp410=)

Gene: KATNB1 (katanin regulatory subunit B1; plus strand). Cytogenetic location: 16q21.
Variant type: single nucleotide variant.
Coding change: c.1230C>T on transcript NM_005886.3 (MANE Select); coding-DNA position 1230, C replaced by T.
Protein change: p.Asp410=; no amino-acid change (aspartic acid 410 retained).
Molecular consequence: synonymous variant.
Genome position (GRCh38, 1-based): chr16:57,754,931, C>T. VCF-style: chr16-57754931-C-T. GRCh37 (hg19) VCF-style: chr16-57788843-C-T.
Identifiers: ClinVar variation 710099 (VCV000710099.15), dbSNP rs142508811, ClinGen allele CA8081121.